The following is an entry in ClinVar:

NM_198252.3(GSN):c.1165G>T (p.Asp389Tyr)

Gene: GSN (gelsolin; plus strand). Cytogenetic location: 9q33.2.
Variant type: single nucleotide variant.
Coding change: c.1165G>T on transcript NM_198252.3 (MANE Select); coding-DNA position 1165, G replaced by T.
Protein change: p.Asp389Tyr; replaces aspartic acid 389 with tyrosine.
Molecular consequence: missense variant.
Genome position (GRCh38, 1-based): chr9:121,318,854, G>T. VCF-style: chr9-121318854-G-T. GRCh37 (hg19) VCF-style: chr9-124081132-G-T.
Other names: c.1318G>T, p.Asp440Tyr (NM_000177.5); c.1165G>T, p.Asp389Tyr (NM_001127662.2, NM_001127664.2, NM_001353057.2 and 10 more transcripts); c.1273G>T, p.Asp425Tyr (NM_001127663.2); c.1198G>T, p.Asp400Tyr (NM_001353063.2, NM_001353064.2, NM_001353065.2 and 13 more transcripts); c.1216G>T, p.Asp406Tyr (NM_001258029.2); c.1189G>T, p.Asp397Tyr (NM_001258030.2); c.1237G>T, p.Asp413Tyr (NM_001353076.2); c.511G>T, p.Asp171Tyr (NM_001353078.2); short protein forms D397Y, D440Y, D171Y, D425Y, D389Y, D400Y, D406Y, D413Y.
Identifiers: ClinVar variation 2699825 (VCV002699825.3), dbSNP rs2062031767, ClinGen allele CA374747956.

ClinVar aggregate classification (germline): Uncertain significance (1 of 4 stars; one submission).

Allele frequency attached by ClinVar (database versions not stated): gnomAD exomes below 0.00001.
gnomAD v4.1: 1 of 1,614,036 alleles (0.000062%); highest among the groups gnomAD compares: Non-Finnish European, 0.000085%; no homozygotes.

Submission:

Labcorp Genetics (formerly Invitae), Labcorp
Classification: Uncertain significance. Last evaluated: 2023-11-30. Review status: criteria provided, single submitter. Criteria: Invitae Variant Classification Sherloc (09022015). Collection method: clinical testing. Allele origin: germline.
Comment: This sequence change replaces aspartic acid, which is acidic and polar, with tyrosine, which is neutral and polar, at codon 440 of the GSN protein (p.Asp440Tyr). This variant is not present in population databases (gnomAD no frequency). This variant has not been reported in the literature in individuals affected with GSN-related conditions. Advanced modeling of protein sequence and biophysical properties (such as structural, functional, and spatial information, amino acid conservation, physicochemical variation, residue mobility, and thermodynamic stability) performed at Invitae indicates that this missense variant is not expected to disrupt GSN protein function with a negative predictive value of 80%. In summary, the available evidence is currently insufficient to determine the role of this variant in disease. Therefore, it has been classified as a Variant of Uncertain Significance.